The following is an entry in ClinVar:

ClinVar aggregate classification (germline): Pathogenic (1 of 4 stars; one submission).

Conditions:
Marfan syndrome (MFS). Also called: MARFAN SYNDROME, TYPE I; Marfan syndrome type 1; Marfan's syndrome; Marfan syndrome, classic; FBN1-Related Marfan Syndrome. Identifiers: Orphanet 284963, Orphanet 558, MedGen C0024796, MONDO:0007947, OMIM 154700.
Familial thoracic aortic aneurysm and aortic dissection (TAAD). Also called: Thoracic aortic aneurysms and dissections. Identifiers: Orphanet 91387, MedGen C4707243, MONDO:0019625.

Submission:

Labcorp Genetics (formerly Invitae), Labcorp
Classification: Pathogenic for Marfan syndrome; Familial thoracic aortic aneurysm and aortic dissection. Last evaluated: 2025-02-08. Review status: criteria provided, single submitter. Criteria: Invitae Variant Classification Sherloc (09022015). Collection method: clinical testing. Allele origin: germline.
Comment: This sequence change affects a donor splice site in intron 34 of the FBN1 gene. It is expected to disrupt RNA splicing. Variants that disrupt the donor or acceptor splice site typically lead to a loss of protein function (PMID: 16199547), and loss-of-function variants in FBN1 are known to be pathogenic (PMID: 17657824, 19293843). This variant is not present in population databases (gnomAD no frequency). Disruption of this splice site has been observed in individuals with Marfan syndrome (PMID: 17657824, 25652356, 29357934). Algorithms developed to predict the effect of sequence changes on RNA splicing suggest that this variant may disrupt the consensus splice site. For these reasons, this variant has been classified as Pathogenic.

Literature cited by the submitters: PubMed 16199547; PubMed 17657824; PubMed 19293843; PubMed 25652356; PubMed 29357934.

NM_000138.5(FBN1):c.4210+1G>T

Gene: FBN1 (fibrillin 1; minus strand). Cytogenetic location: 15q21.1.
Variant type: single nucleotide variant.
Coding change: c.4210+1G>T on transcript NM_000138.5 (MANE Select); the canonical splice donor site of the intron after coding-DNA position 4210, G replaced by T.
Molecular consequence: splice donor variant.
Genome position (GRCh38, 1-based): chr15:48,474,254, C>A on the plus strand (G>T on the coding strand, the complement: FBN1 is on the minus strand). VCF-style: chr15-48474254-C-A. GRCh37 (hg19) VCF-style: chr15-48766451-C-A.
Other names: c.4210+1G>T (NM_001406716.1).
Identifiers: ClinVar variation 3759284 (VCV003759284.2).